The following is an entry in ClinVar:

ClinVar aggregate classification (germline): Uncertain significance (1 of 4 stars; one submission).

Conditions:
NNT-related disorder. Also called: NNT-related condition.

gnomAD v4.1: 7 of 1,614,102 alleles (0.00043%); highest among the groups gnomAD compares: Non-Finnish European, 0.00059%; no homozygotes.

Submission:

PreventionGenetics, part of Exact Sciences
Classification: Uncertain significance for NNT-related condition. Last evaluated: 2025-08-18. Review status: criteria provided, single submitter. Criteria: ACMG Guidelines, 2015. Collection method: clinical testing. Allele origin: germline.
Comment: The NNT c.743C>G variant is predicted to result in the amino acid substitution p.Ser248Trp. To our knowledge, this variant has not been reported in the literature. This variant is reported in 0.00088% of alleles in individuals of European (Non-Finnish) descent in gnomAD. At this time, the clinical significance of this variant is uncertain due to the absence of conclusive functional and genetic evidence.

NM_182977.3(NNT):c.743C>G (p.Ser248Trp)

Gene: NNT (nicotinamide nucleotide transhydrogenase; plus strand). Cytogenetic location: 5p12.
Variant type: single nucleotide variant.
Coding change: c.743C>G on transcript NM_182977.3 (MANE Select); coding-DNA position 743, C replaced by G.
Protein change: p.Ser248Trp; replaces serine 248 with tryptophan.
Molecular consequence: missense variant.
Genome position (GRCh38, 1-based): chr5:43,624,087, C>G. VCF-style: chr5-43624087-C-G. GRCh37 (hg19) VCF-style: chr5-43624189-C-G.
Other names: c.350C>G, p.Ser117Trp (NM_001331026.2); c.743C>G, p.Ser248Trp (NM_012343.4); short protein forms S248W, S117W.
Identifiers: ClinVar variation 4996614 (VCV004996614.1).
Genomic context (GRCh38, chr5:43,624,087, plus strand): 5'-TCTAGATTCTGATAGTTGGTGGTGGTGTTGCTGGGCTTGCTTCTGCAGGCGCAGCAAAGT[C>G]GATGGGTGCAATTGTTCGAGGATTTGACACAAGGTGAGTGCTTTACTAGTGACTGATGTT-3'
Protein context (NP_892022.2, residues 238-258): AGLASAGAAK[Ser248Trp]MGAIVRGFDT